The following is an entry in ClinVar:

ClinVar aggregate classification (germline): Conflicting classifications of pathogenicity. Review status: criteria provided, conflicting classifications (1 of 4 stars). 3 submissions from 3 submitters: Uncertain significance (1); Likely benign (2). Last evaluated 2025-06-01.

Allele frequency attached by ClinVar (database versions not stated): ESP Exome Variant Server 0.00023; 1000 Genomes Project 30x 0.00047; 1000 Genomes Project 0.00060; ExAC 0.00006; gnomAD 0.00018; TOPMed 0.00020.
gnomAD v4.1: 62 of 1,613,702 alleles (0.0038%); highest among the groups gnomAD compares: African/African-American, 0.072%; no homozygotes.

Submissions (3):

CeGaT Center for Human Genetics Tuebingen
Classification: Uncertain significance. Last evaluated: 2025-06-01. Review status: criteria provided, single submitter. Criteria: CeGaT Center For Human Genetics Tuebingen Variant Classification Criteria Version 2. Collection method: clinical testing. Allele origin: germline. Affected: yes. Observed: 1 variant allele.
Comment: TG: PM2, BP4

Labcorp Genetics (formerly Invitae), Labcorp
Classification: Likely benign. Last evaluated: 2023-09-17. Review status: criteria provided, single submitter. Criteria: Invitae Variant Classification Sherloc (09022015). Collection method: clinical testing. Allele origin: germline.

Blueprint Genetics
Classification: Likely benign. Last evaluated: 2023-05-05. Review status: criteria provided, single submitter. Criteria: ACMG Guidelines, 2015. Collection method: clinical testing. Allele origin: germline.

NM_003235.5(TG):c.3848-8G>T

Gene: TG (thyroglobulin; plus strand). Cytogenetic location: 8q24.22.
Variant type: single nucleotide variant.
Coding change: c.3848-8G>T on transcript NM_003235.5 (MANE Select); 8 bases into the intron before coding-DNA position 3848, G replaced by T.
Molecular consequence: intron variant.
Genome position (GRCh38, 1-based): chr8:132,908,178, G>T. VCF-style: chr8-132908178-G-T. GRCh37 (hg19) VCF-style: chr8-133920423-G-T.
Identifiers: ClinVar variation 2902173 (VCV002902173.14), dbSNP rs192497923, ClinGen allele CA4883924.